The following is an entry in ClinVar:

ClinVar aggregate classification (germline): Uncertain significance. Review status: criteria provided, multiple submitters, no conflicts (2 of 4 stars). 3 submissions from 3 submitters: Uncertain significance (3). Last evaluated 2025-02-17.

Conditions:
HAND2-related disorder. Also called: HAND2-related condition.
Inborn genetic diseases. Identifiers: MedGen C0950123, MeSH D030342.

gnomAD v4.1: 1 of 1,458,696 alleles (0.000069%); highest among the groups gnomAD compares: Non-Finnish European, 0.00009%; no homozygotes.

Submissions (3):

Labcorp Genetics (formerly Invitae), Labcorp
Classification: Uncertain significance. Last evaluated: 2025-02-17. Review status: criteria provided, single submitter. Criteria: Invitae Variant Classification Sherloc (09022015). Collection method: clinical testing. Allele origin: germline.
Comment: This sequence change replaces glutamic acid, which is acidic and polar, with glutamine, which is neutral and polar, at codon 38 of the HAND2 protein (p.Glu38Gln). The frequency data for this variant in the population databases is considered unreliable, as metrics indicate poor data quality at this position in the gnomAD database. This variant has not been reported in the literature in individuals affected with HAND2-related conditions. ClinVar contains an entry for this variant (Variation ID: 2529427). An algorithm developed to predict the effect of missense changes on protein structure and function (PolyPhen-2) suggests that this variant is likely to be tolerated. In summary, the available evidence is currently insufficient to determine the role of this variant in disease. Therefore, it has been classified as a Variant of Uncertain Significance.

Ambry Genetics
Classification: Uncertain significance for Inborn genetic diseases. Last evaluated: 2023-03-24. Review status: criteria provided, single submitter. Criteria: Ambry Variant Classification Scheme 2023. Collection method: clinical testing. Allele origin: germline.

PreventionGenetics, part of Exact Sciences
Classification: Uncertain significance for HAND2-related condition. Last evaluated: 2023-02-22. Review status: criteria provided, single submitter. Criteria: ACMG Guidelines, 2015. Collection method: clinical testing. Allele origin: germline.
Comment: The HAND2 c.112G>C variant is predicted to result in the amino acid substitution p.Glu38Gln. To our knowledge, this variant has not been reported in the literature. This variant is reported in 0.0024% of alleles in individuals of European (Non-Finnish) descent in gnomAD. At this time, the clinical significance of this variant is uncertain due to the absence of conclusive functional and genetic evidence.

NM_021973.3(HAND2):c.112G>C (p.Glu38Gln)

Genes: HAND2 (heart and neural crest derivatives expressed 2; minus strand), HAND2-AS1 (HAND2 antisense RNA 1; plus strand). Cytogenetic location: 4q34.1.
Variant type: single nucleotide variant.
Coding change: c.112G>C on transcript NM_021973.3 (MANE Select); coding-DNA position 112, G replaced by C.
Protein change: p.Glu38Gln; replaces glutamic acid 38 with glutamine.
Molecular consequence: missense variant.
Genome position (GRCh38, 1-based): chr4:173,529,178, C>G on the plus strand (G>C on the coding strand, the complement: HAND2 is on the minus strand). VCF-style: chr4-173529178-C-G. GRCh37 (hg19) VCF-style: chr4-174450329-C-G.
Other names: short protein forms E38Q.
Identifiers: ClinVar variation 2529427 (VCV002529427.4), dbSNP rs1273179865, ClinGen allele CA358759473.